The following is an entry in ClinVar:

NM_005540.3(INPP5B):c.963G>A (p.Glu321=)

Gene: INPP5B (inositol polyphosphate-5-phosphatase B; minus strand). Cytogenetic location: 1p34.3.
Variant type: single nucleotide variant.
Coding change: c.963G>A on transcript NM_005540.3 (MANE Select); coding-DNA position 963, G replaced by A.
Protein change: p.Glu321=; no amino-acid change (glutamic acid 321 retained).
Molecular consequence: synonymous variant. On other transcripts: non-coding transcript variant (4).
Genome position (GRCh38, 1-based): chr1:37,887,402, C>T on the plus strand (G>A on the coding strand, the complement: INPP5B is on the minus strand). VCF-style: chr1-37887402-C-T. GRCh37 (hg19) VCF-style: chr1-38353074-C-T.
Other names: c.471G>A, p.Glu157= (NM_001297434.2); c.303G>A, p.Glu101= (NM_001350227.2, NM_001350228.1); c.963G>A, p.Glu321= (NM_001365820.1); c.957G>A, p.Glu319= (NM_001365821.1); c.897G>A, p.Glu299= (NM_001365822.1); c.768G>A, p.Glu256= (NM_001365823.1, NM_001365824.1); c.606G>A, p.Glu202= (NM_001365825.1).
Identifiers: ClinVar variation 3039118 (VCV003039118.2), dbSNP rs139833474, ClinGen allele CA776045.

ClinVar aggregate classification (germline): Likely benign (0 of 4 stars; one submission).

Conditions:
INPP5B-related disorder. Also called: INPP5B-related condition.

Allele frequency attached by ClinVar (database versions not stated): 1000 Genomes Project 0.00060; 1000 Genomes Project 30x 0.00062; ExAC 0.00100; gnomAD 0.00109; TOPMed 0.00112; ESP Exome Variant Server 0.00142; gnomAD exomes 0.00194.
gnomAD v4.1: 2,987 of 1,613,932 alleles (0.19%); highest among the groups gnomAD compares: Non-Finnish European, 0.23%; 5 homozygotes.

Submission:

PreventionGenetics, part of Exact Sciences
Classification: Likely benign for INPP5B-related condition. Last evaluated: 2020-03-04. Review status: no assertion criteria provided. Collection method: clinical testing. Allele origin: germline.
Comment: This variant is classified as likely benign based on ACMG/AMP sequence variant interpretation guidelines (Richards et al. 2015 PMID: 25741868, with internal and published modifications).